The following is an entry in ClinVar:

ClinVar aggregate classification (germline): Uncertain significance (1 of 4 stars; one submission).

gnomAD v4.1: 1 of 1,613,280 alleles (0.000062%); highest among the groups gnomAD compares: African/African-American, 0.0013%; no homozygotes.

Submission:

Ambry Genetics
Classification: Uncertain significance. Last evaluated: 2025-12-18. Review status: criteria provided, single submitter. Criteria: Ambry Variant Classification Scheme 2023. Collection method: clinical testing. Allele origin: germline.
Comment: The p.G428D variant (also known as c.1283G>A), located in coding exon 8 of the ATRIP gene, results from a G to A substitution at nucleotide position 1283. The glycine at codon 428 is replaced by aspartic acid, an amino acid with similar properties. This amino acid position is conserved. In addition, the in silico prediction for this alteration is inconclusive. Based on the available evidence, the clinical significance of this variant remains unclear.

NM_130384.3(ATRIP):c.1283G>A (p.Gly428Asp)

Genes: ATRIP (ATR interacting protein; plus strand), ATRIP-TREX1 (ATRIP-TREX1 readthrough; plus strand). Cytogenetic location: 3p21.31.
Variant type: single nucleotide variant.
Coding change: c.1283G>A on transcript NM_130384.3 (MANE Select); coding-DNA position 1283, G replaced by A.
Protein change: p.Gly428Asp; replaces glycine 428 with aspartic acid.
Molecular consequence: missense variant. On other transcripts: non-coding transcript variant (1).
Genome position (GRCh38, 1-based): chr3:48,460,337, G>A. VCF-style: chr3-48460337-G-A. GRCh37 (hg19) VCF-style: chr3-48501736-G-A.
Other names: c.902G>A, p.Gly301Asp (NM_001271022.2); c.1004G>A, p.Gly335Asp (NM_001271023.2); c.1283G>A, p.Gly428Asp (NM_032166.4); short protein forms G335D, G301D, G428D.
Identifiers: ClinVar variation 4842157 (VCV004842157.1).